The following is an entry in ClinVar:

ClinVar aggregate classification (germline): Uncertain significance (1 of 4 stars; one submission).

gnomAD v4.1: 3 of 1,613,322 alleles (0.00019%); highest among the groups gnomAD compares: Non-Finnish European, 0.00025%; no homozygotes.

Submission:

Labcorp Genetics (formerly Invitae), Labcorp
Classification: Uncertain significance. Last evaluated: 2025-10-19. Review status: criteria provided, single submitter. Criteria: Invitae Variant Classification Sherloc (09022015). Collection method: clinical testing. Allele origin: germline.
Comment: This sequence change replaces arginine, which is basic and polar, with glycine, which is neutral and non-polar, at codon 1214 of the OTOF protein (p.Arg1214Gly). This variant is present in population databases (rs754923389, gnomAD 0.0009%). This variant has not been reported in the literature in individuals affected with OTOF-related conditions. Invitae Evidence Modeling of protein sequence and biophysical properties (such as structural, functional, and spatial information, amino acid conservation, physicochemical variation, residue mobility, and thermodynamic stability) indicates that this missense variant is not expected to disrupt OTOF protein function with a negative predictive value of 80%. In summary, the available evidence is currently insufficient to determine the role of this variant in disease. Therefore, it has been classified as a Variant of Uncertain Significance.

NM_194248.3(OTOF):c.3640C>G (p.Arg1214Gly)

Gene: OTOF (otoferlin; minus strand). Cytogenetic location: 2p23.3.
Variant type: single nucleotide variant.
Coding change: c.3640C>G on transcript NM_194248.3 (MANE Select); coding-DNA position 3640, C replaced by G.
Protein change: p.Arg1214Gly; replaces arginine 1214 with glycine.
Molecular consequence: missense variant.
Genome position (GRCh38, 1-based): chr2:26,473,225, G>C on the plus strand (C>G on the coding strand, the complement: OTOF is on the minus strand). VCF-style: chr2-26473225-G-C. GRCh37 (hg19) VCF-style: chr2-26696093-G-C.
Other names: c.3640C>G, p.Arg1214Gly (NM_001287489.2); c.1399C>G, p.Arg467Gly (NM_004802.4, NM_194323.3); c.1570C>G, p.Arg524Gly (NM_194322.3); short protein forms R467G, R1214G, R524G.
Identifiers: ClinVar variation 4781313 (VCV004781313.1).